The following is an entry in ClinVar:

NM_000075.4(CDK4):c.863G>T (p.Arg288Leu)

Genes: CDK4 (cyclin dependent kinase 4; minus strand), TSPAN31 (tetraspanin 31; plus strand). Cytogenetic location: 12q14.1.
Variant type: single nucleotide variant.
Coding change: c.863G>T on transcript NM_000075.4 (MANE Select); coding-DNA position 863, G replaced by T.
Protein change: p.Arg288Leu; replaces arginine 288 with leucine.
Molecular consequence: missense variant. On other transcripts: 3 prime UTR variant (3).
Genome position (GRCh38, 1-based): chr12:57,748,574, C>A on the plus strand (G>T on the coding strand, the complement: CDK4 is on the minus strand). VCF-style: chr12-57748574-C-A. GRCh37 (hg19) VCF-style: chr12-58142357-C-A.
Other names: c.*1284C>A (NM_001330168.2, NM_001330169.2, NM_005981.5); short protein forms R288L.
Identifiers: ClinVar variation 1764133 (VCV001764133.2), dbSNP rs761577371, ClinGen allele CA385542407.

ClinVar aggregate classification (germline): Uncertain significance (1 of 4 stars; one submission).

Conditions:
Hereditary cancer-predisposing syndrome. Also called: Neoplastic Syndromes, Hereditary; Tumor predisposition; Hereditary Cancer Syndrome; Hereditary neoplastic syndrome. Identifiers: Orphanet 140162, MedGen C0027672, MeSH D009386, MONDO:0015356.

Submission:

Ambry Genetics
Classification: Uncertain significance for Hereditary cancer-predisposing syndrome. Last evaluated: 2021-07-21. Review status: criteria provided, single submitter. Criteria: Ambry Variant Classification Scheme 2023. Collection method: clinical testing. Allele origin: germline.
Comment: The p.R288L variant (also known as c.863G>T), located in coding exon 7 of the CDK4 gene, results from a G to T substitution at nucleotide position 863. The arginine at codon 288 is replaced by leucine, an amino acid with dissimilar properties. This amino acid position is not well conserved in available vertebrate species. In addition, this alteration is predicted to be tolerated by in silico analysis. Since supporting evidence is limited at this time, the clinical significance of this alteration remains unclear.